The following is an entry in ClinVar:

ClinVar aggregate classification (germline): Uncertain significance (1 of 4 stars; one submission).

Conditions:
Peroxisome biogenesis disorder. Identifiers: Orphanet 79189, MedGen C1832200, MONDO:0019234. Disease mechanism: loss of function.

Submission:

Labcorp Genetics (formerly Invitae), Labcorp
Classification: Uncertain significance for Peroxisome biogenesis disorder. Last evaluated: 2025-08-12. Review status: criteria provided, single submitter. Criteria: Invitae Variant Classification Sherloc (09022015). Collection method: clinical testing. Allele origin: germline.
Comment: This sequence change replaces proline, which is neutral and non-polar, with arginine, which is basic and polar, at codon 274 of the PEX6 protein (p.Pro274Arg). This variant is not present in population databases (gnomAD no frequency). This variant has not been reported in the literature in individuals affected with PEX6-related conditions. Invitae Evidence Modeling of protein sequence and biophysical properties (such as structural, functional, and spatial information, amino acid conservation, physicochemical variation, residue mobility, and thermodynamic stability) indicates that this missense variant is not expected to disrupt PEX6 protein function with a negative predictive value of 80%. This variant disrupts the p.Pro274 amino acid residue in PEX6. Other variant(s) that disrupt this residue have been determined to be pathogenic (PMID: 15542397, 19877282, 24016303, 26387595, 29220678). This suggests that this residue is clinically significant, and that variants that disrupt this residue are likely to be disease-causing. In summary, the available evidence is currently insufficient to determine the role of this variant in disease. Therefore, it has been classified as a Variant of Uncertain Significance.

Literature cited by the submitters: PubMed 15542397; PubMed 19877282; PubMed 24016303; PubMed 26387595; PubMed 29220678.

NM_000287.4(PEX6):c.821C>G (p.Pro274Arg)

Gene: PEX6 (peroxisomal biogenesis factor 6; minus strand). Cytogenetic location: 6p21.1.
Variant type: single nucleotide variant.
Coding change: c.821C>G on transcript NM_000287.4 (MANE Select); coding-DNA position 821, C replaced by G.
Protein change: p.Pro274Arg; replaces proline 274 with arginine.
Molecular consequence: missense variant. On other transcripts: non-coding transcript variant (1), intron variant (1).
Genome position (GRCh38, 1-based): chr6:42,978,330, G>C on the plus strand (C>G on the coding strand, the complement: PEX6 is on the minus strand). VCF-style: chr6-42978330-G-C. GRCh37 (hg19) VCF-style: chr6-42946068-G-C.
Other names: c.618+203C>G (NM_001316313.2); short protein forms P274R.
Identifiers: ClinVar variation 4746148 (VCV004746148.1).